The following is an entry in ClinVar:

NM_030962.4(SBF2):c.2710G>T (p.Gly904Cys)

Genes: SBF2 (SET binding factor 2; minus strand), LOC101928008 (uncharacterized LOC101928008; plus strand). Cytogenetic location: 11p15.4.
Variant type: single nucleotide variant.
Coding change: c.2710G>T on transcript NM_030962.4 (MANE Select); coding-DNA position 2710, G replaced by T.
Protein change: p.Gly904Cys; replaces glycine 904 with cysteine.
Molecular consequence: missense variant.
Genome position (GRCh38, 1-based): chr11:9,850,119, C>A on the plus strand (G>T on the coding strand, the complement: SBF2 is on the minus strand). VCF-style: chr11-9850119-C-A. GRCh37 (hg19) VCF-style: chr11-9871666-C-A.
Other names: c.2710G>T, p.Gly904Cys (NM_001386339.1); c.2581G>T, p.Gly861Cys (NM_001386342.1); short protein forms G904C, G861C.
Identifiers: ClinVar variation 1014655 (VCV001014655.7), dbSNP rs1856816602, ClinGen allele CA379635554.

ClinVar aggregate classification (germline): Uncertain significance (1 of 4 stars; one submission).

Conditions:
Charcot-Marie-Tooth disease type 4. Also called: Charcot-Marie-Tooth disease, type IV; Charcot-Marie-Tooth, Type 4. Identifiers: Orphanet 64749, MedGen C4082197, MONDO:0018995.

Allele frequency attached by ClinVar (database versions not stated): TOPMed below 0.00001.

Submission:

Labcorp Genetics (formerly Invitae), Labcorp
Classification: Uncertain significance for Charcot-Marie-Tooth disease type 4. Last evaluated: 2022-07-12. Review status: criteria provided, single submitter. Criteria: Invitae Variant Classification Sherloc (09022015). Collection method: clinical testing. Allele origin: germline.
Comment: In summary, the available evidence is currently insufficient to determine the role of this variant in disease. Therefore, it has been classified as a Variant of Uncertain Significance. Algorithms developed to predict the effect of missense changes on protein structure and function are either unavailable or do not agree on the potential impact of this missense change (SIFT: "Deleterious"; PolyPhen-2: "Probably Damaging"; Align-GVGD: "Class C0"). ClinVar contains an entry for this variant (Variation ID: 1014655). This variant has not been reported in the literature in individuals affected with SBF2-related conditions. This variant is not present in population databases (gnomAD no frequency). This sequence change replaces glycine, which is neutral and non-polar, with cysteine, which is neutral and slightly polar, at codon 904 of the SBF2 protein (p.Gly904Cys).